The following is an entry in ClinVar:

ClinVar aggregate classification (germline): Likely pathogenic (1 of 4 stars; one submission).

Conditions:
Familial thoracic aortic aneurysm and aortic dissection (TAAD). Also called: Thoracic aortic aneurysms and dissections. Identifiers: Orphanet 91387, MedGen C4707243, MONDO:0019625.

Submission:

Color Diagnostics, LLC DBA Color Health
Classification: Likely pathogenic for Familial thoracic aortic aneurysm and aortic dissection. Last evaluated: 2019-07-22. Review status: criteria provided, single submitter. Criteria: ACMG Guidelines, 2015. Collection method: clinical testing. Allele origin: germline.
Comment: This variant affects canonical -2 and -1 splice site positions in intron 12 of the FBN1 gene. Computational splicing tools predict that this variant may have a significant impact on RNA splicing. Although, to our knowledge, RNA study has not been performed to confirm this prediction, this variant is expected to result in a disrupted protein product. This variant has not been reported in individuals affected with cardiovascular disorders in the literature. This variant has not been identified in the general population by the Genome Aggregation Database (gnomAD). Loss of FBN1 function is a known mechanism of disease. Based on available evidence, this variant is classified as Likely Pathogenic.

NM_000138.5(FBN1):c.1469-3_1469-1del

Gene: FBN1 (fibrillin 1; minus strand). Cytogenetic location: 15q21.1.
Variant type: Deletion.
Coding change: c.1469-3_1469-1del on transcript NM_000138.5 (MANE Select); 3 bases into the intron before coding-DNA position 1469 through the canonical splice acceptor site of the intron before coding-DNA position 1469, 3 bases deleted (CAG; older notation c.1469-3_1469-1delCAG).
Molecular consequence: splice acceptor variant.
Genome position (GRCh38, 1-based): chr15:48,513,669-48,513,671, CTG deleted on the plus strand (CAG on the coding strand, the reverse complement: FBN1 is on the minus strand); deleting any 3 consecutive bases within chr15:48,513,669-48,513,672 gives the same sequence; the c. name uses the placement nearest the transcript's 3' end. VCF-style (leftmost placement, unchanged base first): chr15-48513668-TCTG-T. GRCh37 (hg19) VCF-style: chr15-48805865-TCTG-T.
Identifiers: ClinVar variation 925682 (VCV000925682.3), dbSNP rs2043779232, ClinGen allele CA1139663979.